The following is an entry in ClinVar:

NM_033380.3(COL4A5):c.990+1G>T

Gene: COL4A5 (collagen type IV alpha 5 chain; plus strand). Cytogenetic location: Xq22.3.
Variant type: single nucleotide variant.
Coding change: c.990+1G>T on transcript NM_033380.3 (MANE Select); the canonical splice donor site of the intron after coding-DNA position 990, G replaced by T.
Molecular consequence: splice donor variant.
Genome position (GRCh38, 1-based): chrX:108,582,938, G>T. VCF-style: chrX-108582938-G-T. GRCh37 (hg19) VCF-style: chrX-107826168-G-T.
Other names: c.990+1G>T (NM_000495.5).
Identifiers: ClinVar variation 451503 (VCV000451503.11), dbSNP rs1556407701, ClinGen allele CA413927817.
Genomic context (GRCh38, chrX:108,582,938, plus strand): 5'-TTAAAGGGTTTGCCTGGTGATCCTGGTTACCCTGGTGAACCCGGAAGGGATGGTGAAAAG[G>T]TAAGAATTTTAATACTTTGAAGTGACTGGTTTAGTCTAGCTAAAATAATCCTTTTCTTCT-3'

ClinVar aggregate classification (germline): Pathogenic/Likely pathogenic. Review status: criteria provided, multiple submitters, no conflicts (2 of 4 stars). 2 submissions from 2 submitters: Pathogenic (1); Likely pathogenic (1). Last evaluated 2020-06-23.

Submissions (2):

Labcorp Genetics (formerly Invitae), Labcorp
Classification: Likely pathogenic. Last evaluated: 2020-06-23. Review status: criteria provided, single submitter. Criteria: Invitae Variant Classification Sherloc (09022015). Collection method: clinical testing. Allele origin: germline.
Comment: Algorithms developed to predict the effect of sequence changes on RNA splicing suggest that this variant may disrupt the consensus splice site, but this prediction has not been confirmed by published transcriptional studies. Donor and acceptor splice site variants typically lead to a loss of protein function (PMID: 16199547), and loss-of-function variants in COL4A5 are known to be pathogenic (PMID: 9195222, 10752524, 14514738, 24854265, 26809805). In summary, the currently available evidence indicates that the variant is pathogenic, but additional data are needed to prove that conclusively. Therefore, this variant has been classified as Likely Pathogenic. This variant has been observed in individual(s) with clinical features of Alport syndrome (PMID: 29270492). ClinVar contains an entry for this variant (Variation ID: 451503). This sequence change affects a donor splice site in intron 17 of the COL4A5 gene. It is expected to disrupt RNA splicing and likely results in an absent or disrupted protein product. This variant is not present in population databases (ExAC no frequency).

GeneDx
Classification: Pathogenic. Last evaluated: 2017-08-22. Review status: criteria provided, single submitter. Criteria: GeneDx Variant Classification (06012015). Collection method: clinical testing. Allele origin: germline. Affected: yes.
Comment: The c.990+1G>T splice site variant in the COL4A5 gene has not been published as a pathogenic variant, nor has it been reported as a benign variant to our knowledge. This variant destroys the canonical splice donor site in intron 17 and is expected to cause abnormal gene splicing. The c.990+1G>T variant is expected to impact splicing of exons that encode a portion of the triple helical domain containing canonical Gly-X-Y repeats. Variants altering the triple helical domain typically result in poor winding of the collagen triple helix and a less functional protein. Based on currently available evidence, we consider this variant to be pathogenic. and its presence consistent with the diagnosis of Alport syndrome.

Literature cited by the submitters: PubMed 16199547 (cited by Labcorp Genetics (formerly Invitae), Labcorp); PubMed 9195222 (cited by Labcorp Genetics (formerly Invitae), Labcorp); PubMed 10752524 (cited by Labcorp Genetics (formerly Invitae), Labcorp); PubMed 14514738 (cited by Labcorp Genetics (formerly Invitae), Labcorp); PubMed 24854265 (cited by Labcorp Genetics (formerly Invitae), Labcorp); PubMed 26809805 (cited by Labcorp Genetics (formerly Invitae), Labcorp); PubMed 29270492 (cited by Labcorp Genetics (formerly Invitae), Labcorp).